The following is an entry in ClinVar:

ClinVar aggregate classification (germline): Conflicting classifications of pathogenicity. Review status: criteria provided, conflicting classifications (1 of 4 stars). 2 submissions from 2 submitters: Likely pathogenic (1); Uncertain significance (1). Last evaluated 2025-12-17.

Conditions:
Marfan syndrome (MFS). Also called: MARFAN SYNDROME, TYPE I; Marfan syndrome type 1; Marfan's syndrome; Marfan syndrome, classic; FBN1-Related Marfan Syndrome. Identifiers: Orphanet 284963, Orphanet 558, MedGen C0024796, MONDO:0007947, OMIM 154700.
Familial thoracic aortic aneurysm and aortic dissection (TAAD). Also called: Thoracic aortic aneurysms and dissections. Identifiers: Orphanet 91387, MedGen C4707243, MONDO:0019625.

Submissions (2):

Labcorp Genetics (formerly Invitae), Labcorp
Classification: Uncertain significance for Marfan syndrome; Familial thoracic aortic aneurysm and aortic dissection. Last evaluated: 2025-12-17. Review status: criteria provided, single submitter. Criteria: Invitae Variant Classification Sherloc (09022015). Collection method: clinical testing. Allele origin: germline.
Comment: This sequence change replaces aspartic acid, which is acidic and polar, with valine, which is neutral and non-polar, at codon 1113 of the FBN1 protein (p.Asp1113Val). This variant is not present in population databases (gnomAD no frequency). This missense change has been observed in individuals with FBN1-related conditions (PMID: 16220557; internal data). An algorithm developed to predict the effect of missense changes on protein structure and function (PolyPhen-2) suggests that this variant is likely to be disruptive. This variant disrupts the p.Asp1113 amino acid residue in FBN1. Other variant(s) that disrupt this residue have been determined to be pathogenic (PMID: 10464652, 17324963, 17663468, 28941062). This suggests that this residue is clinically significant, and that variants that disrupt this residue are likely to be disease-causing. In summary, the available evidence is currently insufficient to determine the role of this variant in disease. Therefore, it has been classified as a Variant of Uncertain Significance.

Human Genetics Bochum, Ruhr University Bochum
Classification: Likely pathogenic for Marfan syndrome. Last evaluated: 2024-11-21. Review status: criteria provided, single submitter. Criteria: ACMG Guidelines, 2015. Collection method: clinical testing. Allele origin: germline. Affected: yes.
Comment: ACMG criteria used to clasify this variant: PS1, PM2_SUP, PP2, PP3

Literature cited by the submitters: PubMed 16220557 (cited by Labcorp Genetics (formerly Invitae), Labcorp); PubMed 10464652 (cited by Labcorp Genetics (formerly Invitae), Labcorp); PubMed 17324963 (cited by Labcorp Genetics (formerly Invitae), Labcorp); PubMed 17663468 (cited by Labcorp Genetics (formerly Invitae), Labcorp); PubMed 28941062 (cited by Labcorp Genetics (formerly Invitae), Labcorp).

NM_000138.5(FBN1):c.3338A>T (p.Asp1113Val)

Gene: FBN1 (fibrillin 1; minus strand). Cytogenetic location: 15q21.1.
Variant type: single nucleotide variant.
Coding change: c.3338A>T on transcript NM_000138.5 (MANE Select); coding-DNA position 3338, A replaced by T.
Protein change: p.Asp1113Val; replaces aspartic acid 1113 with valine.
Molecular consequence: missense variant.
Genome position (GRCh38, 1-based): chr15:48,487,437, T>A on the plus strand (A>T on the coding strand, the complement: FBN1 is on the minus strand). VCF-style: chr15-48487437-T-A. GRCh37 (hg19) VCF-style: chr15-48779634-T-A.
Other names: c.3338A>T, p.Asp1113Val (NM_001406716.1); short protein forms D1113V.
Identifiers: ClinVar variation 4688009 (VCV004688009.2).